The following is an entry in ClinVar:

NM_005751.5(AKAP9):c.8927T>C (p.Val2976Ala)

Gene: AKAP9 (A-kinase anchoring protein 9; plus strand). Cytogenetic location: 7q21.2.
Variant type: single nucleotide variant.
Coding change: c.8927T>C on transcript NM_005751.5 (MANE Select); coding-DNA position 8927, T replaced by C.
Protein change: p.Val2976Ala; replaces valine 2976 with alanine.
Molecular consequence: missense variant.
Genome position (GRCh38, 1-based): chr7:92,085,589, T>C. VCF-style: chr7-92085589-T-C. GRCh37 (hg19) VCF-style: chr7-91714903-T-C.
Other names: c.3572T>C, p.Val1191Ala (NM_001379277.1); c.8903T>C, p.Val2968Ala (NM_147185.3); short protein forms V2976A, V1191A, V2968A.
Identifiers: ClinVar variation 1765138 (VCV001765138.3), dbSNP rs776938362, ClinGen allele CA4337617.

ClinVar aggregate classification (germline): Uncertain significance. Review status: criteria provided, multiple submitters, no conflicts (2 of 4 stars). 2 submissions from 2 submitters: Uncertain significance (2). Last evaluated 2025-09-05.

Conditions:
Cardiovascular phenotype. Identifiers: MedGen CN230736.

Allele frequency attached by ClinVar (database versions not stated): gnomAD exomes below 0.00001; ExAC 0.00002.
gnomAD v4.1: 2 of 1,613,808 alleles (0.00012%); highest among the groups gnomAD compares: Admixed American, 0.0017%; no homozygotes.

Submissions (2):

Women's Health and Genetics/Laboratory Corporation of America, LabCorp
Classification: Uncertain significance. Last evaluated: 2025-09-05. Review status: criteria provided, single submitter. Criteria: LabCorp Variant Classification Summary - May 2015. Collection method: clinical testing. Allele origin: germline.

Ambry Genetics
Classification: Uncertain significance for Cardiovascular phenotype. Last evaluated: 2022-06-24. Review status: criteria provided, single submitter. Criteria: Ambry Variant Classification Scheme 2023. Collection method: clinical testing. Allele origin: germline.
Comment: The p.V2976A variant (also known as c.8927T>C), located in coding exon 36 of the AKAP9 gene, results from a T to C substitution at nucleotide position 8927. The valine at codon 2976 is replaced by alanine, an amino acid with similar properties. This amino acid position is conserved. In addition, this alteration is predicted to be tolerated by in silico analysis. Since supporting evidence is limited at this time, the clinical significance of this alteration remains unclear.